The following is an entry in ClinVar:

NM_001375524.1(TRRAP):c.10214T>C (p.Met3405Thr)

Gene: TRRAP (transformation/transcription domain associated protein; plus strand). Cytogenetic location: 7q22.1.
Variant type: single nucleotide variant.
Coding change: c.10214T>C on transcript NM_001375524.1 (MANE Select); coding-DNA position 10214, T replaced by C.
Protein change: p.Met3405Thr; replaces methionine 3405 with threonine.
Molecular consequence: missense variant.
Genome position (GRCh38, 1-based): chr7:98,994,753, T>C. VCF-style: chr7-98994753-T-C. GRCh37 (hg19) VCF-style: chr7-98592376-T-C.
Other names: c.10172T>C, p.Met3391Thr (NM_001244580.2); c.10085T>C, p.Met3362Thr (NM_003496.4); short protein forms M3362T, M3391T, M3405T.
Identifiers: ClinVar variation 2431804 (VCV002431804.3), dbSNP rs1793574697, ClinGen allele CA368332821.
Genomic context (GRCh38, chr7:98,994,753, plus strand): 5'-TGAAGAAGTTGGTGAGCACGTTTGGGGTGGGCCTGGAGAATGTGTCCAACGTCTCGACCA[T>C]GTTCTCCAGCGCAGCCTCTGAGTCTCTGGCCCGGCGGGCGCAGGCCACTGCACAAGACCC-3'
Protein context (NP_001362453.1, residues 3395-3415): GLENVSNVST[Met3405Thr]FSSAASESLA

ClinVar aggregate classification (germline): Uncertain significance. Review status: criteria provided, multiple submitters, no conflicts (2 of 4 stars). 2 submissions from 2 submitters: Uncertain significance (2). Last evaluated 2024-11-11.

Conditions:
Developmental delay with or without dysmorphic facies and autism. Identifiers: MedGen C5193106, MONDO:0032760, OMIM 618454.

Submissions (2):

Labcorp Genetics (formerly Invitae), Labcorp
Classification: Uncertain significance. Last evaluated: 2024-11-11. Review status: criteria provided, single submitter. Criteria: Invitae Variant Classification Sherloc (09022015). Collection method: clinical testing. Allele origin: germline.
Comment: This sequence change replaces methionine, which is neutral and non-polar, with threonine, which is neutral and polar, at codon 3362 of the TRRAP protein (p.Met3362Thr). This variant is not present in population databases (gnomAD no frequency). This variant has not been reported in the literature in individuals affected with TRRAP-related conditions. ClinVar contains an entry for this variant (Variation ID: 2431804). Invitae Evidence Modeling of protein sequence and biophysical properties (such as structural, functional, and spatial information, amino acid conservation, physicochemical variation, residue mobility, and thermodynamic stability) indicates that this missense variant is not expected to disrupt TRRAP protein function with a negative predictive value of 80%. In summary, the available evidence is currently insufficient to determine the role of this variant in disease. Therefore, it has been classified as a Variant of Uncertain Significance.

Laboratorio de Genetica e Diagnostico Molecular, Hospital Israelita Albert Einstein
Classification: Uncertain significance for Developmental delay with or without dysmorphic facies and autism. Last evaluated: 2022-09-16. Review status: criteria provided, single submitter. Criteria: ACMG Guidelines, 2015. Collection method: clinical testing. Allele origin: germline. Affected: yes. Observed: 1 variant allele.
Comment: ACMG classification criteria: PM2 moderated, PP2 supporting, BP4 supporting